The following is an entry in ClinVar:

ClinVar aggregate classification (germline): Benign/Likely benign. Review status: criteria provided, multiple submitters, no conflicts (2 of 4 stars). 3 submissions from 3 submitters: Benign (1); Likely benign (2). Last evaluated 2025-02-02.

Conditions:
Hereditary nonpolyposis colorectal neoplasms. Identifiers: MedGen C0009405, MeSH D003123.
Hereditary cancer-predisposing syndrome. Also called: Tumor predisposition; Hereditary neoplastic syndrome; Hereditary Cancer Syndrome; Neoplastic Syndromes, Hereditary. Identifiers: Orphanet 140162, MedGen C0027672, MeSH D009386, MONDO:0015356.
Lynch syndrome 5 (LYNCH5). Also called: Hereditary non-polyposis colorectal cancer, type 5; Colorectal cancer, hereditary nonpolyposis, type 5. Identifiers: Orphanet 144, MedGen C1833477, MONDO:0013710, OMIM 614350. Disease mechanism: loss of function.

Submissions (3):

Labcorp Genetics (formerly Invitae), Labcorp
Classification: Likely benign for Hereditary nonpolyposis colorectal neoplasms. Last evaluated: 2025-02-02. Review status: criteria provided, single submitter. Criteria: Invitae Variant Classification Sherloc (09022015). Collection method: clinical testing. Allele origin: germline.

Myriad Genetics, Inc.
Classification: Benign for Lynch syndrome 5. Last evaluated: 2024-12-31. Review status: criteria provided, single submitter. Criteria: Myriad Autosomal Dominant, Autosomal Recessive and X-Linked Classification Criteria (2023). Collection method: clinical testing. Allele origin: unknown.
Comment: This variant is considered benign. This variant is a silent/synonymous amino acid change and it is not expected to impact splicing.

Ambry Genetics
Classification: Likely benign for Hereditary cancer-predisposing syndrome. Last evaluated: 2024-04-20. Review status: criteria provided, single submitter. Criteria: Ambry Variant Classification Scheme 2023. Collection method: clinical testing. Allele origin: germline.

NM_000179.3(MSH6):c.2493C>A (p.Pro831=)

Gene: MSH6 (mutS homolog 6; plus strand). Cytogenetic location: 2p16.3.
Variant type: single nucleotide variant.
Coding change: c.2493C>A on transcript NM_000179.3 (MANE Select); coding-DNA position 2493, C replaced by A.
Protein change: p.Pro831=; no amino-acid change (proline 831 retained).
Molecular consequence: synonymous variant. On other transcripts: non-coding transcript variant (5), intron variant (3).
Genome position (GRCh38, 1-based): chr2:47,800,476, C>A. VCF-style: chr2-47800476-C-A. GRCh37 (hg19) VCF-style: chr2-48027615-C-A.
Other names: c.2103C>A, p.Pro701= (NM_001281492.2); c.1587C>A, p.Pro529= (NM_001281493.2, NM_001281494.2, NM_001406811.1 and 6 more transcripts); c.2589C>A, p.Pro863= (NM_001406795.1, NM_001406802.1); c.2493C>A, p.Pro831= (NM_001406796.1, NM_001406798.1, NM_001406800.1 and 2 more transcripts); c.2196C>A, p.Pro732= (NM_001406797.1, NM_001406801.1, NM_001406805.1 and 10 more transcripts); c.1968C>A, p.Pro656= (NM_001406799.1, NM_001406806.1, NM_001406807.1); c.2415C>A, p.Pro805= (NM_001406804.1); c.2499C>A, p.Pro833= (NM_001406813.1); and 4 more.
Identifiers: ClinVar variation 2966636 (VCV002966636.5), dbSNP rs778911612, ClinGen allele CA426121506.